The following is an entry in ClinVar:

NM_182643.3(DLC1):c.2083A>G (p.Ser695Gly)

Gene: DLC1 (DLC1 Rho GTPase activating protein; minus strand). Cytogenetic location: 8p22.
Variant type: single nucleotide variant.
Coding change: c.2083A>G on transcript NM_182643.3 (MANE Select); coding-DNA position 2083, A replaced by G.
Protein change: p.Ser695Gly; replaces serine 695 with glycine.
Molecular consequence: missense variant.
Genome position (GRCh38, 1-based): chr8:13,100,254, T>C on the plus strand (A>G on the coding strand, the complement: DLC1 is on the minus strand). VCF-style: chr8-13100254-T-C. GRCh37 (hg19) VCF-style: chr8-12957763-T-C.
Other names: c.550A>G, p.Ser184Gly (NM_001164271.2, NM_001348082.2, NM_001348083.1 and 6 more transcripts); c.874A>G, p.Ser292Gly (NM_001316668.2, NM_001413129.1); c.2083A>G, p.Ser695Gly (NM_001348081.2, NM_001413124.1); c.865A>G, p.Ser289Gly (NM_001413130.1); c.523A>G, p.Ser175Gly (NM_001413131.1, NM_001413137.1); c.1009A>G, p.Ser337Gly (NM_001413132.1); c.772A>G, p.Ser258Gly (NM_001413135.1, NM_001413136.1, NM_001413139.1 and 1 more transcripts); c.907A>G, p.Ser303Gly (NM_001413140.1); short protein forms S175G, S289G, S303G, S292G, S337G, S695G, S184G, S258G.
Identifiers: ClinVar variation 3003265 (VCV003003265.3), dbSNP rs746678425, ClinGen allele CA4638720.

ClinVar aggregate classification (germline): Uncertain significance (1 of 4 stars; one submission).

Allele frequency attached by ClinVar (database versions not stated): gnomAD 0.00001; gnomAD exomes 0.00001; TOPMed 0.00001; ExAC 0.00002.
gnomAD v4.1: 12 of 1,614,042 alleles (0.00074%); highest among the groups gnomAD compares: Admixed American, 0.0017%; no homozygotes.

Submission:

Labcorp Genetics (formerly Invitae), Labcorp
Classification: Uncertain significance. Last evaluated: 2022-12-28. Review status: criteria provided, single submitter. Criteria: Invitae Variant Classification Sherloc (09022015). Collection method: clinical testing. Allele origin: germline.
Comment: In summary, the available evidence is currently insufficient to determine the role of this variant in disease. Therefore, it has been classified as a Variant of Uncertain Significance. Algorithms developed to predict the effect of missense changes on protein structure and function (SIFT, PolyPhen-2, Align-GVGD) all suggest that this variant is likely to be disruptive. This variant has not been reported in the literature in individuals affected with DLC1-related conditions. This variant is present in population databases (rs746678425, gnomAD 0.002%). This sequence change replaces serine, which is neutral and polar, with glycine, which is neutral and non-polar, at codon 695 of the DLC1 protein (p.Ser695Gly).